The following is an entry in ClinVar:

ClinVar aggregate classification (germline): Likely benign. Review status: criteria provided, multiple submitters, no conflicts (2 of 4 stars). 4 submissions from 4 submitters: Likely benign (3). 1 of the submissions does not count toward it. Last evaluated 2026-01-25.

Conditions:
Hereditary cancer-predisposing syndrome. Also called: Tumor predisposition; Hereditary Cancer Syndrome; Neoplastic Syndromes, Hereditary; Hereditary neoplastic syndrome. Identifiers: Orphanet 140162, MedGen C0027672, MeSH D009386, MONDO:0015356.
Gorlin syndrome. Also called: Basal cell nevus syndrome; Nevoid Basal Cell Carcinoma Syndrome. Identifiers: Orphanet 377, MedGen C0004779, MONDO:0007187.
PTCH1-related disorder. Also called: PTCH1-related disorders; PTCH1-related condition.

Allele frequency attached by ClinVar (database versions not stated): TOPMed 0.00009.
gnomAD v4.1: 20 of 1,602,884 alleles (0.0012%); highest among the groups gnomAD compares: East Asian, 0.043%; no homozygotes.

Submissions (4):

Labcorp Genetics (formerly Invitae), Labcorp
Classification: Likely benign for Gorlin syndrome. Last evaluated: 2026-01-25. Review status: criteria provided, single submitter. Criteria: Invitae Variant Classification Sherloc (09022015). Collection method: clinical testing. Allele origin: germline.

Sema4
Classification: Likely benign for Hereditary cancer-predisposing syndrome. Last evaluated: 2021-11-11. Review status: criteria provided, single submitter. Criteria: Sema4 Curation Guidelines. Collection method: curation. Allele origin: germline.

Ambry Genetics
Classification: Likely benign for Hereditary cancer-predisposing syndrome. Last evaluated: 2018-11-07. Review status: criteria provided, single submitter. Criteria: Ambry Variant Classification Scheme 2023. Collection method: clinical testing. Allele origin: germline.

PreventionGenetics, part of Exact Sciences
Classification: Likely benign for PTCH1-related condition. Last evaluated: 2023-04-05. Review status: no assertion criteria provided. Collection method: clinical testing. Allele origin: germline. Not counted in ClinVar's aggregate classification.
Comment: This variant is classified as likely benign based on ACMG/AMP sequence variant interpretation guidelines (Richards et al. 2015 PMID: 25741868, with internal and published modifications).

NM_000264.5(PTCH1):c.3663C>G (p.Ser1221=)

Gene: PTCH1 (patched 1; minus strand). Cytogenetic location: 9q22.32.
Variant type: single nucleotide variant.
Coding change: c.3663C>G on transcript NM_000264.5 (MANE Select); coding-DNA position 3663, C replaced by G.
Protein change: p.Ser1221=; no amino-acid change (serine 1221 retained).
Molecular consequence: synonymous variant. On other transcripts: non-coding transcript variant (1).
Genome position (GRCh38, 1-based): chr9:95,449,210, G>C on the plus strand (C>G on the coding strand, the complement: PTCH1 is on the minus strand). VCF-style: chr9-95449210-G-C. GRCh37 (hg19) VCF-style: chr9-98211492-G-C.
Other names: c.3465C>G, p.Ser1155= (NM_001083602.3); c.3660C>G, p.Ser1220= (NM_001083603.3); c.3210C>G, p.Ser1070= (NM_001083604.3, NM_001083605.3, NM_001083606.3 and 1 more transcripts); c.3507C>G, p.Ser1169= (NM_001354918.2).
Identifiers: ClinVar variation 453859 (VCV000453859.19), dbSNP rs369771223, ClinGen allele CA5138088.